The following is an entry in ClinVar:

NM_000169.3(GLA):c.53T>G (p.Phe18Cys)

Genes: GLA (galactosidase alpha; minus strand), RPL36A-HNRNPH2 (RPL36A-HNRNPH2 readthrough; plus strand). Cytogenetic location: Xq22.1.
Variant type: single nucleotide variant.
Coding change: c.53T>G on transcript NM_000169.3 (MANE Select); coding-DNA position 53, T replaced by G.
Protein change: p.Phe18Cys; replaces phenylalanine 18 with cysteine.
Molecular consequence: missense variant. On other transcripts: non-coding transcript variant (3), intron variant (2).
Genome position (GRCh38, 1-based): chrX:101,407,851, A>C on the plus strand (T>G on the coding strand, the complement: GLA is on the minus strand). VCF-style: chrX-101407851-A-C. GRCh37 (hg19) VCF-style: chrX-100662839-A-C.
Other names: c.53T>G, p.Phe18Cys (NM_001406747.1, NM_001406748.1, NM_001406749.1); c.301-4085A>C (NM_001199973.2); c.178-4085A>C (NM_001199974.2); short protein forms F18C.
Identifiers: ClinVar variation 4087311 (VCV004087311.2).
Genomic context (GRCh38, chrX:101,407,851, plus strand): 5'-CTTGCCAATCCATTGTCCAGTGCTCTAGCCCCAGGGATGTCCCAGGAAACGAGGGCCAGG[A>C]AGCGAAGCGCAAGCGCGCAGCCCAGATGTAGTTCTGGGTTCCTCAGCTGCATTGTCACGG-3'
Protein context (NP_000160.1, residues 8-28): LHLGCALALR[Phe18Cys]LALVSWDIPG

ClinVar aggregate classification (germline): Likely pathogenic (1 of 4 stars; one submission).

Conditions:
Fabry disease. Also called: ALPHA-GALACTOSIDASE A DEFICIENCY; ANDERSON-FABRY DISEASE; CERAMIDE TRIHEXOSIDASE DEFICIENCY; GLA DEFICIENCY; HEREDITARY DYSTOPIC LIPIDOSIS; Angiokeratoma corporis diffusum. Identifiers: Orphanet 324, MedGen C0002986, MONDO:0010526, OMIM 301500, HP:0001071. Disease mechanism: Fabry disease is due to inactivating mutations in the X-linked GLA gene resulting in deficiency of the enzyme Alpha Galactosidase-A., loss of function.

Submission:

Genomenon, Inc
Classification: Likely pathogenic for Fabry disease. Last evaluated: 2026-09-08. Review status: criteria provided, single submitter. Criteria: Genomenon Sequence Variant Interpretation Standards - Updated. Collection method: curation. Allele origin: germline. Affected: yes.
Comment: GLA p.Phe18Cys (c.53T>G) is a missense variant that changes the amino acid at codon 18 from Phenylalanine to Cysteine. This variant has been observed in at least one proband with clinical features consistent with Fabry disease (PMID:22551898;29631605). Functional or patient cell studies have been reported (PMID:29631605). The presence of pathogenic/likely pathogenic missense variant(s) at the same amino acid position indicates that this residue is likely important for protein function. It is absent or not present at a significant frequency in gnomAD. In conclusion, we classify GLA p.Phe18Cys (c.53T>G) as a likely pathogenic variant.

Literature cited by the submitters: PubMed 22551898; PubMed 29631605.